The following is an entry in ClinVar:

ClinVar aggregate classification (germline): Uncertain significance (1 of 4 stars; one submission).

Allele frequency attached by ClinVar (database versions not stated): gnomAD exomes below 0.00001; ExAC 0.00001; gnomAD 0.00001.
gnomAD v4.1: 7 of 1,613,928 alleles (0.00043%); highest among the groups gnomAD compares: Non-Finnish European, 0.00051%; no homozygotes.

Submission:

Labcorp Genetics (formerly Invitae), Labcorp
Classification: Uncertain significance. Last evaluated: 2025-01-23. Review status: criteria provided, single submitter. Criteria: Invitae Variant Classification Sherloc (09022015). Collection method: clinical testing. Allele origin: germline.
Comment: This sequence change replaces arginine, which is basic and polar, with glutamine, which is neutral and polar, at codon 1811 of the KMT2A protein (p.Arg1811Gln). This variant is present in population databases (rs782730461, gnomAD 0.0009%). This variant has not been reported in the literature in individuals affected with KMT2A-related conditions. ClinVar contains an entry for this variant (Variation ID: 1396725). Invitae Evidence Modeling of protein sequence and biophysical properties (such as structural, functional, and spatial information, amino acid conservation, physicochemical variation, residue mobility, and thermodynamic stability) indicates that this missense variant is not expected to disrupt KMT2A protein function with a negative predictive value of 95%. In summary, the available evidence is currently insufficient to determine the role of this variant in disease. Therefore, it has been classified as a Variant of Uncertain Significance.

NM_001197104.2(KMT2A):c.5432G>A (p.Arg1811Gln)

Gene: KMT2A (lysine methyltransferase 2A; plus strand). Cytogenetic location: 11q23.3.
Variant type: single nucleotide variant.
Coding change: c.5432G>A on transcript NM_001197104.2 (MANE Select); coding-DNA position 5432, G replaced by A.
Protein change: p.Arg1811Gln; replaces arginine 1811 with glutamine.
Molecular consequence: missense variant.
Genome position (GRCh38, 1-based): chr11:118,495,768, G>A. VCF-style: chr11-118495768-G-A. GRCh37 (hg19) VCF-style: chr11-118366483-G-A.
Other names: c.5423G>A, p.Arg1808Gln (NM_005933.4); short protein forms R1808Q, R1811Q.
Identifiers: ClinVar variation 1396725 (VCV001396725.6), dbSNP rs782730461, ClinGen allele CA6304046.